The following is an entry in ClinVar:

NM_020822.3(KCNT1):c.1421G>A (p.Arg474His)

Gene: KCNT1 (potassium sodium-activated channel subfamily T member 1; plus strand). Cytogenetic location: 9q34.3.
Variant type: single nucleotide variant.
Coding change: c.1421G>A on transcript NM_020822.3 (MANE Select); coding-DNA position 1421, G replaced by A.
Protein change: p.Arg474His; replaces arginine 474 with histidine.
Molecular consequence: missense variant.
Genome position (GRCh38, 1-based): chr9:135,768,848, G>A. VCF-style: chr9-135768848-G-A. GRCh37 (hg19) VCF-style: chr9-138660694-G-A.
Other names: c.1286G>A, p.Arg429His (NM_001272003.2); short protein forms R474H, R429H.
Identifiers: ClinVar variation 39595 (VCV000039595.72), dbSNP rs397515404, ClinGen allele CA130393.

ClinVar aggregate classification (germline): Pathogenic/Likely pathogenic. Review status: criteria provided, multiple submitters, no conflicts (2 of 4 stars). 22 submissions from 22 submitters: Pathogenic (15); Likely pathogenic (2). 5 of the submissions do not count toward it. Last evaluated 2025-11-24.

Conditions:
KCNT1-related disorder. Also called: KCNT1-related condition.
Inborn genetic diseases. Identifiers: MedGen C0950123, MeSH D030342.
Autosomal dominant nocturnal frontal lobe epilepsy 5. Also called: KCNT1-Related Epilepsy; CILIARY DYSKINESIA, PRIMARY, 28, WITHOUT SITUS INVERSUS; CILIARY DYSKINESIA, PRIMARY, 28, WITH SITUS INVERSUS; Epilepsy, nocturnal frontal lobe, 5. Identifiers: Orphanet 98784, MedGen C3554306, MONDO:0014002, OMIM 615005.
Developmental and epileptic encephalopathy, 14 (DEE14). Also called: Early infantile epileptic encephalopathy 14. Identifiers: Orphanet 293181, MedGen C3554195, MONDO:0013989, OMIM 614959.
Developmental and epileptic encephalopathy, 15 (DEE15). Also called: Early infantile epileptic encephalopathy 15. Identifiers: Orphanet 3451, MedGen C3554316, MONDO:0014003, OMIM 615006.
Seizure. Also called: Seizures. Identifiers: MedGen C0036572, HP:0001250.

Submissions 1 to 14 of 22:

Labcorp Genetics (formerly Invitae), Labcorp
Classification: Pathogenic for Autosomal dominant nocturnal frontal lobe epilepsy 5; Developmental and epileptic encephalopathy, 14. Last evaluated: 2025-11-24. Review status: criteria provided, single submitter. Criteria: Invitae Variant Classification Sherloc (09022015). Collection method: clinical testing. Allele origin: germline.
Comment: This sequence change replaces arginine, which is basic and polar, with histidine, which is basic and polar, at codon 474 of the KCNT1 protein (p.Arg474His). This variant is not present in population databases (gnomAD no frequency). This missense change has been observed in individual(s) with early onset epileptic encephalopathies, malignant migrating partial seizures of infancy, migrating focal seizure of infancy, and/or nocturnal frontal lobe epilepsy (PMID: 23086397, 25326637, 25482562, 26140313, 26740507). In at least one individual the variant was observed to be de novo. This variant is also known as c.1286G>A:p.R429H. ClinVar contains an entry for this variant (Variation ID: 39595). Invitae Evidence Modeling of protein sequence and biophysical properties (such as structural, functional, and spatial information, amino acid conservation, physicochemical variation, residue mobility, and thermodynamic stability) has been performed for this missense variant. However, the output from this modeling did not meet the statistical confidence thresholds required to predict the impact of this variant on KCNT1 protein function. This variant disrupts the p.Arg474 amino acid residue in KCNT1. Other variant(s) that disrupt this residue have been determined to be pathogenic (PMID: 26140313, 27652284). This suggests that this residue is clinically significant, and that variants that disrupt this residue are likely to be disease-causing. For these reasons, this variant has been classified as Pathogenic.

PreventionGenetics, part of Exact Sciences
Classification: Pathogenic for KCNT1-related condition. Last evaluated: 2025-09-08. Review status: criteria provided, single submitter. Criteria: ACMG Guidelines, 2015. Collection method: clinical testing. Allele origin: germline.
Comment: The KCNT1 c.1421G>A variant is predicted to result in the amino acid substitution p.Arg474His. This variant has been reported de novo in at least five individuals with KCNT1-related disease (see for example, Barcia et al. 2012. PubMed ID: 23086397; Ohba et al. 2015. PubMed ID: 26140313; Trivisano et al. 2025. PubMed ID: 39981956). Functional studies demonstrate an increase in activity of the encoded potassium channel, indicating a gain of function mechanism (Kim et al. 2014. PubMed ID: 25482562; Trivisano et al. 2025. PubMed ID: 39981956). This variant has not been reported in a large population database, indicating this variant is rare. It has been interpreted as likely pathogenic/pathogenic by multiple independent submitters in ClinVar (ClinVar ID: 39595). An alternate missense at the same amino acid position, p.Arg474His, has been reported de novo in an individual with epilepsy of infancy with migrating focal seizures (EIMFS) (Ohba et al. 2015. PubMed ID: 26140313). This variant is interpreted as pathogenic.

Genomic Medicine Center of Excellence, King Faisal Specialist Hospital and Research Centre
Classification: Pathogenic for Developmental and epileptic encephalopathy 15. Last evaluated: 2024-03-14. Review status: criteria provided, single submitter. Criteria: ACMG Guidelines, 2015. Collection method: clinical testing. Allele origin: germline.

GeneDx
Classification: Pathogenic. Last evaluated: 2023-07-13. Review status: criteria provided, single submitter. Criteria: GeneDx Variant Classification Process June 2021. Collection method: clinical testing. Allele origin: germline. Affected: yes.
Comment: Published functional studies demonstrate a damaging effect, with increased channel activity but minor change in protein expression compared to the wild type variant (Kim et al., 2014); Not observed at significant frequency in large population cohorts (gnomAD); This variant is associated with the following publications: (PMID: 29455050, 32167590, 25482562, 25326637, 23086397, 26140313, 24315024, 25568878, 27779742, 27081515, 27652284, 28488083, 28987752, 29291456, 31872048, 31532509, 32081855, 31054119, 31532594, 31349857, 32139178, 32505479, 34489640, 33822359, 34055682, 35571021, 35365919, 36007526, 34580403, 31440721, 35715422, 34114611, 35346832, 37062836, 37177976)

Institute for Clinical Genetics, University Hospital TU Dresden, University Hospital TU Dresden
Classification: Pathogenic. Last evaluated: 2023-03-21. Review status: criteria provided, single submitter. Criteria: ACMG Guidelines, 2015. Collection method: clinical testing. Allele origin: de novo.
Comment: PS4, PP3, PM2_SUP, PM5

Baylor Genetics
Classification: Pathogenic for Developmental and epileptic encephalopathy, 14. Last evaluated: 2023-03-19. Review status: criteria provided, single submitter. Criteria: ACMG Guidelines, 2015. Collection method: clinical testing. Allele origin: unknown.

Laboratorio de Genetica e Diagnostico Molecular, Hospital Israelita Albert Einstein
Classification: Pathogenic for Developmental and epileptic encephalopathy, 14. Last evaluated: 2022-07-25. Review status: criteria provided, single submitter. Criteria: ACMG Guidelines, 2015. Collection method: clinical testing. Allele origin: germline. Affected: yes. Observed: 1 variant allele.
Comment: ACMG classification criteria: PS3 supporting, PS4 strong, PM2 moderated, PM5 moderated, PM6 moderated, PP3 supporting

Blueprint Genetics
Classification: Pathogenic for KCNT1-related disorders. Last evaluated: 2021-06-10. Review status: criteria provided, single submitter. Criteria: ACMG Guidelines, 2015. Collection method: clinical testing. Allele origin: germline. Affected: yes. Observed: 1 variant allele.

CeGaT Center for Human Genetics Tuebingen
Classification: Pathogenic. Last evaluated: 2019-05-01. Review status: criteria provided, single submitter. Criteria: CeGaT Center For Human Genetics Tuebingen Variant Classification Criteria Version 2. Collection method: clinical testing. Allele origin: germline. Affected: yes. Observed: 3 variant alleles.

Laboratory of Medical Genetics, National & Kapodistrian University of Athens
Classification: Likely pathogenic for Developmental and epileptic encephalopathy, 14. Last evaluated: 2018-12-03. Review status: criteria provided, single submitter. Criteria: ACMG Guidelines, 2015. Collection method: clinical testing. Allele origin: de novo. Affected: yes.
Comment: PS3, PM2, PM5, PP3

Institute of Human Genetics, University of Leipzig Medical Center
Classification: Pathogenic for Developmental and epileptic encephalopathy, 14. Last evaluated: 2017-06-21. Review status: criteria provided, single submitter. Criteria: ACMG Guidelines, 2015. Collection method: clinical testing. Allele origin: germline. Affected: yes. Observed: 1 variant allele.

Cytogénomique, Hospices Civils de Lyon
Classification: Pathogenic for Developmental and epileptic encephalopathy, 14. Last evaluated: 2017-02-14. Review status: criteria provided, single submitter. Criteria: ACMG Guidelines, 2015. Collection method: clinical testing. Allele origin: de novo. Inheritance: Autosomal dominant inheritance. Affected: yes.

Ambry Genetics
Classification: Pathogenic for Inborn genetic diseases. Last evaluated: 2015-11-20. Review status: criteria provided, single submitter. Criteria: Ambry exome assertion method (8-5-2015). Collection method: clinical testing. Allele origin: germline. Affected: yes. Observed: 2 variant alleles.

UCLA Clinical Genomics Center, UCLA
Classification: Pathogenic for Early infantile epileptic encephalopathy 14. Last evaluated: 2014-02-04. Review status: criteria provided, single submitter. Criteria: Lee et al. (JAMA. 2014). Collection method: clinical testing. Allele origin: de novo. Inheritance: Autosomal dominant inheritance. Affected: yes. Observed: 2 variant alleles. Study: CES.